The following is an entry in ClinVar:

ClinVar aggregate classification (germline): Likely benign (1 of 4 stars; one submission).

Conditions:
PEX14-related disorder. Also called: PEX14-related condition.

Submission:

PreventionGenetics, part of Exact Sciences
Classification: Likely benign for PEX14-related condition. Last evaluated: 2025-11-04. Review status: criteria provided, single submitter. Criteria: ACMG Guidelines, 2015. Collection method: clinical testing. Allele origin: germline.
Comment: This variant is classified as likely benign based on ACMG/AMP sequence variant interpretation guidelines (Richards et al. 2015 PMID: 25741868, with internal and published modifications).

NM_004565.3(PEX14):c.48T>A (p.Thr16=)

Gene: PEX14 (peroxisomal biogenesis factor 14; plus strand). Cytogenetic location: 1p36.22.
Variant type: single nucleotide variant.
Coding change: c.48T>A on transcript NM_004565.3 (MANE Select); coding-DNA position 48, T replaced by A.
Protein change: p.Thr16=; no amino-acid change (threonine 16 retained).
Molecular consequence: synonymous variant.
Genome position (GRCh38, 1-based): chr1:10,495,285, T>A. VCF-style: chr1-10495285-T-A. GRCh37 (hg19) VCF-style: chr1-10555342-T-A.
Identifiers: ClinVar variation 4992484 (VCV004992484.1).